The following is an entry in ClinVar:

NM_000368.5(TSC1):c.2160C>G (p.Leu720=)

Gene: TSC1 (TSC complex subunit 1; minus strand). Cytogenetic location: 9q34.13.
Variant type: single nucleotide variant.
Coding change: c.2160C>G on transcript NM_000368.5 (MANE Select); coding-DNA position 2160, C replaced by G.
Protein change: p.Leu720=; no amino-acid change (leucine 720 retained).
Molecular consequence: synonymous variant. On other transcripts: non-coding transcript variant (4).
Genome position (GRCh38, 1-based): chr9:132,903,699, G>C on the plus strand (C>G on the coding strand, the complement: TSC1 is on the minus strand). VCF-style: chr9-132903699-G-C. GRCh37 (hg19) VCF-style: chr9-135779086-G-C.
Other names: c.2157C>G, p.Leu719= (NM_001162426.2, NM_001406597.1, NM_001406598.1 and 4 more transcripts); c.2007C>G, p.Leu669= (NM_001162427.2, NM_001406610.1); c.1797C>G, p.Leu599= (NM_001362177.2, NM_001406614.1, NM_001406615.1 and 5 more transcripts); c.2160C>G, p.Leu720= (NM_001406592.1, NM_001406593.1, NM_001406594.1 and 5 more transcripts); c.2145C>G, p.Leu715= (NM_001406601.1, NM_001406602.1); c.2142C>G, p.Leu714= (NM_001406603.1, NM_001406604.1); c.2004C>G, p.Leu668= (NM_001406611.1, NM_001406612.1, NM_001406613.1); c.1794C>G, p.Leu598= (NM_001406620.1, NM_001406621.1, NM_001406622.1 and 2 more transcripts); and 3 more.
Identifiers: ClinVar variation 4084236 (VCV004084236.8).

ClinVar aggregate classification (germline): Likely benign (1 of 4 stars; one submission).

Submission:

CeGaT Center for Human Genetics Tuebingen
Classification: Likely benign. Last evaluated: 2025-08-01. Review status: criteria provided, single submitter. Criteria: CeGaT Center For Human Genetics Tuebingen Variant Classification Criteria Version 2. Collection method: clinical testing. Allele origin: germline. Affected: yes. Observed: 1 variant allele.
Comment: TSC1: PM2:Supporting, BP4, BP7